The following is an entry in ClinVar:

ClinVar aggregate classification (germline): Uncertain significance (1 of 4 stars; one submission).

Conditions:
Familial Mediterranean fever (FMF). Also called: POLYSEROSITIS, FAMILIAL PAROXYSMAL; POLYSEROSITIS, RECURRENT; Periodic peritonitis; Benign paroxysmal peritonitis. Identifiers: Orphanet 342, MedGen C0031069, MONDO:0018088, OMIM 249100. Disease mechanism: gain of function.

Submission:

Labcorp Genetics (formerly Invitae), Labcorp
Classification: Uncertain significance for Familial Mediterranean fever. Last evaluated: 2021-09-02. Review status: criteria provided, single submitter. Criteria: Invitae Variant Classification Sherloc (09022015). Collection method: clinical testing. Allele origin: germline.
Comment: This sequence change replaces glutamic acid with lysine at codon 403 of the MEFV protein (p.Glu403Lys). The glutamic acid residue is moderately conserved and there is a small physicochemical difference between glutamic acid and lysine. This variant is not present in population databases (ExAC no frequency). This variant has not been reported in the literature in individuals affected with MEFV-related conditions. Algorithms developed to predict the effect of missense changes on protein structure and function are either unavailable or do not agree on the potential impact of this missense change (SIFT: "Tolerated"; PolyPhen-2: "Probably Damaging"; Align-GVGD: "Class C0"). In summary, the available evidence is currently insufficient to determine the role of this variant in disease. Therefore, it has been classified as a Variant of Uncertain Significance.

NM_000243.3(MEFV):c.1207G>A (p.Glu403Lys)

Gene: MEFV (MEFV innate immunity regulator, pyrin; minus strand). Cytogenetic location: 16p13.3.
Variant type: single nucleotide variant.
Coding change: c.1207G>A on transcript NM_000243.3 (MANE Select); coding-DNA position 1207, G replaced by A.
Protein change: p.Glu403Lys; replaces glutamic acid 403 with lysine.
Molecular consequence: missense variant.
Genome position (GRCh38, 1-based): chr16:3,249,484, C>T on the plus strand (G>A on the coding strand, the complement: MEFV is on the minus strand). VCF-style: chr16-3249484-C-T. GRCh37 (hg19) VCF-style: chr16-3299484-C-T.
Other names: c.574G>A, p.Glu192Lys (NM_001198536.2); short protein forms E403K, E192K.
Identifiers: ClinVar variation 1907723 (VCV001907723.2), dbSNP rs1411603561, ClinGen allele CA394469471.
Genomic context (GRCh38, chr16:3,249,484, plus strand): 5'-TGCCTACCTTGTGTTCCAGGGCGACCTCCTCAATGGGGCGCACCCGGTGGCCTTGGTGCT[C>T]CTGACTCAGACTGCAGATGAGGCAGATGGGCTCATCGTGATCCTCACAGAAGAGCAGCTG-3'
Protein context (NP_000234.1, residues 393-413): PICLICSLSQ[Glu403Lys]HQGHRVRPIE